The following is an entry in ClinVar:

ClinVar aggregate classification (germline): Pathogenic (1 of 4 stars; one submission).

Submission:

Labcorp Genetics (formerly Invitae), Labcorp
Classification: Pathogenic. Last evaluated: 2023-11-25. Review status: criteria provided, single submitter. Criteria: Invitae Variant Classification Sherloc (09022015). Collection method: clinical testing. Allele origin: germline.
Comment: This sequence change creates a premature translational stop signal (p.Tyr311*) in the GPR143 gene. It is expected to result in an absent or disrupted protein product. Loss-of-function variants in GPR143 are known to be pathogenic (PMID: 15965158, 18978956, 19390656, 21541274, 26160353, 28211458). This variant is not present in population databases (gnomAD no frequency). This premature translational stop signal has been observed in individual(s) with ocular albinism (PMID: 17822861). For these reasons, this variant has been classified as Pathogenic.

Literature cited by the submitters: PubMed 15965158; PubMed 18978956; PubMed 19390656; PubMed 21541274; PubMed 26160353; PubMed 28211458; PubMed 17822861.

NM_000273.3(GPR143):c.933C>A (p.Tyr311Ter)

Gene: GPR143 (G protein-coupled receptor 143; minus strand). Cytogenetic location: Xp22.2.
Variant type: single nucleotide variant.
Coding change: c.933C>A on transcript NM_000273.3 (MANE Select); coding-DNA position 933, C replaced by A.
Protein change: p.Tyr311Ter; replaces tyrosine 311 with a stop codon.
Molecular consequence: nonsense.
Genome position (GRCh38, 1-based): chrX:9,739,672, G>T on the plus strand (C>A on the coding strand, the complement: GPR143 is on the minus strand). VCF-style: chrX-9739672-G-T. GRCh37 (hg19) VCF-style: chrX-9707712-G-T.
Other names: short protein forms Y311*.
Identifiers: ClinVar variation 2737076 (VCV002737076.3), dbSNP rs763168997, ClinGen allele CA411995441.